The following is an entry in ClinVar:

NM_000088.4(COL1A1):c.63C>T (p.His21=)

Gene: COL1A1 (collagen type I alpha 1 chain; minus strand). Cytogenetic location: 17q21.33.
Variant type: single nucleotide variant.
Coding change: c.63C>T on transcript NM_000088.4 (MANE Select); coding-DNA position 63, C replaced by T.
Protein change: p.His21=; no amino-acid change (histidine 21 retained).
Molecular consequence: synonymous variant.
Genome position (GRCh38, 1-based): chr17:50,201,451, G>A on the plus strand (C>T on the coding strand, the complement: COL1A1 is on the minus strand). VCF-style: chr17-50201451-G-A. GRCh37 (hg19) VCF-style: chr17-48278812-G-A.
Other names: p.His21=.
Identifiers: ClinVar variation 758496 (VCV000758496.12), dbSNP rs536939800, ClinGen allele CA8645885.

ClinVar aggregate classification (germline): Likely benign. Review status: criteria provided, multiple submitters, no conflicts (2 of 4 stars). 4 submissions from 4 submitters: Likely benign (4). Last evaluated 2025-11-27.

Conditions:
Osteogenesis imperfecta type I (OI1). Also called: Lobstein's Disease; Lobstein disease; Osteogenesis imperfecta type 1; OI, TYPE I; OSTEOGENESIS IMPERFECTA TARDA; OSTEOGENESIS IMPERFECTA WITH BLUE SCLERAE. Identifiers: Orphanet 216796, Orphanet 666, MedGen C0023931, MONDO:0008146, OMIM 166200. Disease mechanism: loss of function.
Cardiovascular phenotype. Identifiers: MedGen CN230736.

Allele frequency attached by ClinVar (database versions not stated): gnomAD 0.00001; TOPMed 0.00001; gnomAD exomes 0.00002; ExAC 0.00003; 1000 Genomes Project 30x 0.00016; 1000 Genomes Project 0.00020.
gnomAD v4.1: 20 of 1,613,620 alleles (0.0012%); highest among the groups gnomAD compares: South Asian, 0.0055%; 1 homozygote.

Submissions (4):

Mayo Clinic Laboratories, Mayo Clinic
Classification: Likely benign. Last evaluated: 2025-11-27. Review status: criteria provided, single submitter. Criteria: ACMG Guidelines, 2015. Collection method: clinical testing. Allele origin: germline. Observed: 1 variant allele.
Comment: BP4, BP7

Labcorp Genetics (formerly Invitae), Labcorp
Classification: Likely benign for Osteogenesis imperfecta type I. Last evaluated: 2025-11-21. Review status: criteria provided, single submitter. Criteria: Invitae Variant Classification Sherloc (09022015). Collection method: clinical testing. Allele origin: germline.

Blueprint Genetics
Classification: Likely benign. Last evaluated: 2024-03-13. Review status: criteria provided, single submitter. Criteria: ACMG Guidelines, 2015. Collection method: clinical testing. Allele origin: germline.

Ambry Genetics
Classification: Likely benign for Cardiovascular phenotype. Last evaluated: 2019-05-02. Review status: criteria provided, single submitter. Criteria: Ambry Variant Classification Scheme 2023. Collection method: clinical testing. Allele origin: germline.